The following is an entry in ClinVar:

NM_004415.4(DSP):c.6974T>G (p.Phe2325Cys)

Gene: DSP (desmoplakin; plus strand). Cytogenetic location: 6p24.3.
Variant type: single nucleotide variant.
Coding change: c.6974T>G on transcript NM_004415.4 (MANE Select); coding-DNA position 6974, T replaced by G.
Protein change: p.Phe2325Cys; replaces phenylalanine 2325 with cysteine.
Molecular consequence: missense variant.
Genome position (GRCh38, 1-based): chr6:7,584,236, T>G. VCF-style: chr6-7584236-T-G. GRCh37 (hg19) VCF-style: chr6-7584469-T-G.
Other names: c.5177T>G, p.Phe1726Cys (NM_001008844.3); c.5645T>G, p.Phe1882Cys (NM_001319034.2); short protein forms F1726C, F1882C, F2325C.
Identifiers: ClinVar variation 1026556 (VCV001026556.11), dbSNP rs1349503429, ClinGen allele CA362691958.
Genomic context (GRCh38, chr6:7,584,236, plus strand): 5'-TTAGCAACTTGAGGTTACCAGTGGAGGAAGCCTACAAGAGAGGTCTGGTGGGCATTGAGT[T>G]CAAAGAGAAGCTCCTGTCTGCAGAACGAGCTGTCACTGGGTATAATGATCCTGAAACAGG-3'
Protein context (NP_004406.2, residues 2315-2335): AYKRGLVGIE[Phe2325Cys]KEKLLSAERA

ClinVar aggregate classification (germline): Uncertain significance. Review status: criteria provided, multiple submitters, no conflicts (2 of 4 stars). 3 submissions from 3 submitters: Uncertain significance (3). Last evaluated 2024-12-24.

Conditions:
Cardiovascular phenotype. Identifiers: MedGen CN230736.
Arrhythmogenic cardiomyopathy with wooly hair and keratoderma. Also called: PALMOPLANTAR KERATODERMA WITH LEFT VENTRICULAR CARDIOMYOPATHY AND WOOLLY HAIR; Dilated cardiomyopathy with woolly hair and keratoderma; Carvajal syndrome; Arrhythmogenic cardiomyopathy with woolly hair and keratoderma. Identifiers: Orphanet 65282, MedGen C1854063, MONDO:0011581, OMIM 605676.
Arrhythmogenic right ventricular dysplasia 8 (ARVD8). Also called: ARRHYTHMOGENIC RIGHT VENTRICULAR DYSPLASIA, FAMILIAL, 8; Arrhythmogenic Right Ventricular Dysplasia/Cardiomyopathy 8; ARRHYTHMOGENIC RIGHT VENTRICULAR CARDIOMYOPATHY 8. Identifiers: MedGen C1843896, MONDO:0011831, OMIM 607450.

Allele frequency attached by ClinVar (database versions not stated): gnomAD exomes below 0.00001 and 0.00001.
gnomAD v4.1: 20 of 1,614,110 alleles (0.0012%); highest among the groups gnomAD compares: Non-Finnish European, 0.0017%; no homozygotes.

Submissions (3):

Ambry Genetics
Classification: Uncertain significance for Cardiovascular phenotype. Last evaluated: 2024-12-24. Review status: criteria provided, single submitter. Criteria: Ambry Variant Classification Scheme 2023. Collection method: clinical testing. Allele origin: germline.
Comment: The p.F2325C variant (also known as c.6974T>G), located in coding exon 24 of the DSP gene, results from a T to G substitution at nucleotide position 6974. The phenylalanine at codon 2325 is replaced by cysteine, an amino acid with highly dissimilar properties. This amino acid position is highly conserved in available vertebrate species. In addition, the in silico prediction for this alteration is inconclusive. Based on the available evidence, the clinical significance of this variant remains unclear.

Labcorp Genetics (formerly Invitae), Labcorp
Classification: Uncertain significance for Arrhythmogenic cardiomyopathy with wooly hair and keratoderma; Arrhythmogenic right ventricular dysplasia 8. Last evaluated: 2024-04-18. Review status: criteria provided, single submitter. Criteria: Invitae Variant Classification Sherloc (09022015). Collection method: clinical testing. Allele origin: germline.
Comment: This sequence change replaces phenylalanine, which is neutral and non-polar, with cysteine, which is neutral and slightly polar, at codon 2325 of the DSP protein (p.Phe2325Cys). This variant is present in population databases (no rsID available, gnomAD 0.0009%). This variant has not been reported in the literature in individuals affected with DSP-related conditions. ClinVar contains an entry for this variant (Variation ID: 1026556). An algorithm developed to predict the effect of missense changes on protein structure and function (PolyPhen-2) suggests that this variant is likely to be disruptive. In summary, the available evidence is currently insufficient to determine the role of this variant in disease. Therefore, it has been classified as a Variant of Uncertain Significance.

All of Us Research Program, National Institutes of Health
Classification: Uncertain significance for Arrhythmogenic cardiomyopathy with wooly hair and keratoderma. Last evaluated: 2023-08-15. Review status: criteria provided, single submitter. Criteria: ACMG Guidelines, 2015. Collection method: clinical testing. Allele origin: germline. Inheritance: Autosomal dominant inheritance. Observed: 1 variant allele, 1 heterozygote.
Comment: This study involves interpretation of variants in research participants for the purpose of population health screening. Participant phenotype was not available at the time of variant classification. Additional details can be found in publication PMID: 35346344, PMCID: PMC8962531